The following is an entry in ClinVar:

ClinVar aggregate classification (germline): Uncertain significance (1 of 4 stars; one submission).

Conditions:
Usher syndrome type 3B. Also called: USHER SYNDROME, TYPE IIIB. Identifiers: MedGen C3281066, MONDO:0013788, OMIM 614504.

Submission:

Labcorp Genetics (formerly Invitae), Labcorp
Classification: Uncertain significance for Usher syndrome type 3B. Last evaluated: 2022-02-09. Review status: criteria provided, single submitter. Criteria: Invitae Variant Classification Sherloc (09022015). Collection method: clinical testing. Allele origin: germline.
Comment: This sequence change falls in intron 1 of the HARS gene. It does not directly change the encoded amino acid sequence of the HARS protein. It affects a nucleotide within the consensus splice site. This variant is not present in population databases (gnomAD no frequency). This variant has not been reported in the literature in individuals affected with HARS-related conditions. Variants that disrupt the consensus splice site are a relatively common cause of aberrant splicing (PMID: 17576681, 9536098). Algorithms developed to predict the effect of sequence changes on RNA splicing suggest that this variant may disrupt the consensus splice site. In summary, the available evidence is currently insufficient to determine the role of this variant in disease. Therefore, it has been classified as a Variant of Uncertain Significance.

Literature cited by the submitters: PubMed 17576681; PubMed 9536098.

NM_002109.6(HARS1):c.90+5G>A

Genes: HARS1 (histidyl-tRNA synthetase 1; minus strand), LOC129994848 (ATAC-STARR-seq lymphoblastoid active region 23285; plus strand). Cytogenetic location: 5q31.3.
Variant type: single nucleotide variant.
Coding change: c.90+5G>A on transcript NM_002109.6 (MANE Select); 5 bases into the intron after coding-DNA position 90, G replaced by A.
Molecular consequence: intron variant.
Genome position (GRCh38, 1-based): chr5:140,691,210, C>T on the plus strand (G>A on the coding strand, the complement: HARS1 is on the minus strand). VCF-style: chr5-140691210-C-T. GRCh37 (hg19) VCF-style: chr5-140070795-C-T.
Other names: c.3+92G>A (NM_001289094.2); c.90+5G>A (NM_001289093.2, NM_001258042.3, NM_001258040.3 and 2 more transcripts).
Identifiers: ClinVar variation 1680380 (VCV001680380.6), dbSNP rs768353479, ClinGen allele CA1586860058.